The following is an entry in ClinVar:

NM_015102.5(NPHP4):c.1119+6A>C

Gene: NPHP4 (nephrocystin 4; minus strand). Cytogenetic location: 1p36.31.
Variant type: single nucleotide variant.
Coding change: c.1119+6A>C on transcript NM_015102.5 (MANE Select); 6 bases into the intron after coding-DNA position 1119, A replaced by C.
Molecular consequence: intron variant.
Genome position (GRCh38, 1-based): chr1:5,947,098, T>G on the plus strand (A>C on the coding strand, the complement: NPHP4 is on the minus strand). VCF-style: chr1-5947098-T-G. GRCh37 (hg19) VCF-style: chr1-6007158-T-G.
Other names: c.-248+6A>C (NM_001291594.2, NM_001291593.2).
Identifiers: ClinVar variation 1061196 (VCV001061196.7), dbSNP rs2101923698, ClinGen allele CA2499214819.

ClinVar aggregate classification (germline): Uncertain significance (1 of 4 stars; one submission).

Conditions:
Nephronophthisis. Also called: Juvenile Nephronophthisis. Identifiers: Orphanet 655, MedGen C0687120, MONDO:0019005, HP:0000090.

Submission:

Labcorp Genetics (formerly Invitae), Labcorp
Classification: Uncertain significance for Nephronophthisis. Last evaluated: 2020-09-11. Review status: criteria provided, single submitter. Criteria: Invitae Variant Classification Sherloc (09022015). Collection method: clinical testing. Allele origin: germline.
Comment: In summary, the available evidence is currently insufficient to determine the role of this variant in disease. Therefore, it has been classified as a Variant of Uncertain Significance. Nucleotide substitutions within the consensus splice site are a relatively common cause of aberrant splicing (PMID: 17576681, 9536098). Algorithms developed to predict the effect of sequence changes on RNA splicing suggest that this variant is not likely to affect RNA splicing, but this prediction has not been confirmed by published transcriptional studies. This variant has not been reported in the literature in individuals with NPHP4-related conditions. This variant is not present in population databases (ExAC no frequency). This sequence change falls in intron 9 of the NPHP4 gene. It does not directly change the encoded amino acid sequence of the NPHP4 protein, but it affects a nucleotide within the consensus splice site of the intron.

Literature cited by the submitters: PubMed 17576681; PubMed 9536098.